The following is an entry in ClinVar:

NM_153240.5(NPHP3):c.1871C>T (p.Ser624Phe)

Genes: NPHP3 (nephrocystin 3; minus strand), NPHP3-ACAD11 (NPHP3-ACAD11 readthrough (NMD candidate); minus strand). Cytogenetic location: 3q22.1.
Variant type: single nucleotide variant.
Coding change: c.1871C>T on transcript NM_153240.5 (MANE Select); coding-DNA position 1871, C replaced by T.
Protein change: p.Ser624Phe; replaces serine 624 with phenylalanine.
Molecular consequence: missense variant. On other transcripts: non-coding transcript variant (1).
Genome position (GRCh38, 1-based): chr3:132,699,934, G>A on the plus strand (C>T on the coding strand, the complement: NPHP3 is on the minus strand). VCF-style: chr3-132699934-G-A. GRCh37 (hg19) VCF-style: chr3-132418778-G-A.
Other names: c.1871C>T (NM_153240.4); short protein forms S624F.
Identifiers: ClinVar variation 974438 (VCV000974438.10), dbSNP rs1939561839, ClinGen allele CA354582624.
Genomic context (GRCh38, chr3:132,699,934, plus strand): 5'-TCTCTTTCTGAGCATATCAATAGGTAACAAATGGAAAACGGTACCTGAACTTGATCTATA[G>A]AATCAATAACGATGATGATGCTGCCTTGATGACGAGCAGAGAGTTTTTCCAGCCAACGTG-3'
Protein context (NP_694972.3, residues 614-634): HQGSIIIVID[Ser624Phe]IDQVQQVEKH

ClinVar aggregate classification (germline): Conflicting classifications of pathogenicity. Review status: criteria provided, conflicting classifications (1 of 4 stars). 6 submissions from 6 submitters: Likely pathogenic (3); Uncertain significance (3). Last evaluated 2025-06-02.

Conditions:
Nephronophthisis. Also called: Juvenile Nephronophthisis. Identifiers: Orphanet 655, MedGen C0687120, MONDO:0019005, HP:0000090.
NPHP3-related disorder. Also called: NPHP3-related disorders; NPHP3-related condition. Identifiers: MedGen CN379163.
Nephronophthisis 3 (NPHP3). Also called: Adolescent nephronophthisis. Identifiers: Orphanet 655, MedGen C1858392, MONDO:0011456, OMIM 604387.
NPHP3-related Meckel-like syndrome. Also called: Meckel syndrome type 7; GOLDSTON SYNDROME. Identifiers: Orphanet 3032, MedGen C2673885, MONDO:0009966, OMIM 267010.
Renal-hepatic-pancreatic dysplasia 1 (RHPD1). Identifiers: MedGen C3715199, MONDO:0008833, OMIM 208540.

Allele frequency attached by ClinVar (database versions not stated): gnomAD 0.00001; gnomAD exomes 0.00001; TOPMed 0.00001.
gnomAD v4.1: 4 of 1,613,958 alleles (0.00025%); highest among the groups gnomAD compares: Non-Finnish European, 0.00034%; no homozygotes.

Submissions (6):

PreventionGenetics, part of Exact Sciences
Classification: Likely pathogenic for NPHP3-related condition. Last evaluated: 2025-06-02. Review status: criteria provided, single submitter. Criteria: ACMG Guidelines, 2015. Collection method: clinical testing. Allele origin: germline.
Comment: The NPHP3 c.1871C>T variant is predicted to result in the amino acid substitution p.Ser624Phe. This variant has been reported in the compound heterozygous state with a frameshift variant in at least one individual with nephronophthisis (Table S2, Domingo-Gallego et al. 2021. PubMed ID: 33532864; Table S2, König et al. 2022. PubMed ID: 36090483). This variant was also reported along with another frameshift variant in an individual with nephronophthisis (Table S1, Petzold et al. 2023. PubMed ID: 37230223). This variant has not been reported in a large population database, indicating this variant is rare. An alternate nucleotide change affecting the same amino acid (p.Ser624Tyr) has been reported in the compound heterozygous state with a frameshift variant in an individual with nephronophthisis (Sun et al. 2016. PubMed ID: 26184788). Taken together, the c.1871C>T (p.Ser624Phe) variant is interpreted as likely pathogenic.

Fulgent Genetics
Classification: Uncertain significance for Renal-hepatic-pancreatic dysplasia 1; NPHP3-related Meckel-like syndrome; Nephronophthisis 3. Last evaluated: 2024-02-09. Review status: criteria provided, single submitter. Criteria: ACMG Guidelines, 2015. Collection method: clinical testing. Allele origin: germline.

Labcorp Genetics (formerly Invitae), Labcorp
Classification: Uncertain significance for Nephronophthisis. Last evaluated: 2021-12-27. Review status: criteria provided, single submitter. Criteria: Invitae Variant Classification Sherloc (09022015). Collection method: clinical testing. Allele origin: germline.
Comment: In summary, the available evidence is currently insufficient to determine the role of this variant in disease. Therefore, it has been classified as a Variant of Uncertain Significance. This variant disrupts the p.Ser624 amino acid residue in NPHP3. Other variant(s) that disrupt this residue have been observed in individuals with NPHP3-related conditions (PMID: 26184788), which suggests that this may be a clinically significant amino acid residue. Algorithms developed to predict the effect of missense changes on protein structure and function (SIFT, PolyPhen-2, Align-GVGD) all suggest that this variant is likely to be disruptive. ClinVar contains an entry for this variant (Variation ID: 974438). This missense change has been observed in individual(s) with clinical features of nephronophthisis (PMID: 33532864). In at least one individual the data is consistent with being in trans (on the opposite chromosome) from a pathogenic variant. This variant is not present in population databases (gnomAD no frequency). This sequence change replaces serine, which is neutral and polar, with phenylalanine, which is neutral and non-polar, at codon 624 of the NPHP3 protein (p.Ser624Phe).

Department of Pathology and Laboratory Medicine, Sinai Health System
Classification: Uncertain significance for Renal-hepatic-pancreatic dysplasia 1; NPHP3-related Meckel-like syndrome; Nephronophthisis 3. Last evaluated: 2021-07-30. Review status: criteria provided, single submitter. Criteria: ACMG Guidelines, 2015. Collection method: research. Allele origin: germline.

Molecular Biology Laboratory, Fundació Puigvert
Classification: Likely pathogenic for Nephronophthisis 3. Last evaluated: 2020-02-01. Review status: criteria provided, single submitter. Criteria: ACMG Guidelines, 2015. Collection method: research. Allele origin: maternal. Affected: yes. Study: KidneyPanel_2020.

Blueprint Genetics
Classification: Likely pathogenic for NPHP3-related disorders. Last evaluated: 2019-09-05. Review status: criteria provided, single submitter. Criteria: ACMG Guidelines, 2015. Collection method: clinical testing. Allele origin: germline. Affected: yes. Observed: 2 variant alleles.

Literature cited by the submitters: PubMed 26184788 (cited by Labcorp Genetics (formerly Invitae), Labcorp); PubMed 33532864 (cited by Labcorp Genetics (formerly Invitae), Labcorp and Molecular Biology Laboratory, Fundació Puigvert).